The following is an entry in ClinVar:

NM_000304.4(PMP22):c.206T>C (p.Met69Thr)

Gene: PMP22 (peripheral myelin protein 22; minus strand). Cytogenetic location: 17p12.
Variant type: single nucleotide variant.
Coding change: c.206T>C on transcript NM_000304.4 (MANE Select); coding-DNA position 206, T replaced by C.
Protein change: p.Met69Thr; replaces methionine 69 with threonine.
Molecular consequence: missense variant. On other transcripts: non-coding transcript variant (2).
Genome position (GRCh38, 1-based): chr17:15,239,584, A>G on the plus strand (T>C on the coding strand, the complement: PMP22 is on the minus strand). VCF-style: chr17-15239584-A-G. GRCh37 (hg19) VCF-style: chr17-15142901-A-G.
Other names: c.206T>C, p.Met69Thr (NM_001281455.2, NM_001281456.2, NM_001330143.2 and 2 more transcripts); short protein forms M69T.
Identifiers: ClinVar variation 531685 (VCV000531685.12), dbSNP rs104894620, ClinGen allele CA288098399.
Genomic context (GRCh38, chr17:15,239,584, plus strand): 5'-GTGAAGAGTTGGCAGAAGAACAGGAACAGAGACAGAATGCTGAAGATGATCGACAGGATC[A>G]TGGTGGCCTGGACAGACTGCAGCCATTCTGGGGGAAAGAGACACTTGGTTAGGAGAGCTG-3'
Protein context (NP_000295.1, residues 59-79): NEWLQSVQAT[Met69Thr]ILSIIFSILS

ClinVar aggregate classification (germline): Conflicting classifications of pathogenicity. Review status: criteria provided, conflicting classifications (1 of 4 stars). 4 submissions from 4 submitters: Likely pathogenic (3); Uncertain significance (1). Last evaluated 2025-07-26.

Conditions:
Inborn genetic diseases. Identifiers: MedGen C0950123, MeSH D030342.
Charcot-Marie-Tooth disease, type I (CMT1). Also called: Charcot-Marie-Tooth disease type 1; Charcot-Marie-Tooth, Type 1. Identifiers: Orphanet 65753, MedGen C0751036, MONDO:0019011.
Dejerine-Sottas disease. Also called: Charcot-Marie-Tooth disease type 3; HMSN Type III; Hereditary motor and sensory neuropathy 3; DEJERINE-SOTTAS NEUROPATHY; HEREDITARY MOTOR AND SENSORY NEUROPATHY TYPE III. Identifiers: Orphanet 64748, MedGen C0011195, MONDO:0007790, OMIM 145900.
Charcot-Marie-Tooth disease, type IA (CMT1A). Also called: Charcot-Marie-Tooth disease type 1A; CMT 1A; Hereditary motor and sensory neuropathy 1A; HMSN 1A; CHARCOT-MARIE-TOOTH DISEASE, AUTOSOMAL DOMINANT, WITH FOCALLY FOLDED MYELIN SHEATHS, TYPE 1A; CHARCOT-MARIE-TOOTH NEUROPATHY, TYPE 1A. Identifiers: Orphanet 101081, MedGen C0270911, MONDO:0007309, OMIM 118220.

Allele frequency attached by ClinVar (database versions not stated): gnomAD exomes below 0.00001; gnomAD 0.00001; TOPMed 0.00001.
gnomAD v4.1: 8 of 1,613,918 alleles (0.0005%); highest among the groups gnomAD compares: Non-Finnish European, 0.00068%; no homozygotes.

Submissions (4):

GeneDx
Classification: Likely pathogenic. Last evaluated: 2025-07-26. Review status: criteria provided, single submitter. Criteria: GeneDx Variant Classification Process June 2021. Collection method: clinical testing. Allele origin: germline. Affected: yes.
Comment: Not observed at significant frequency in large population cohorts (gnomAD); In silico analysis supports that this missense variant has a deleterious effect on protein structure/function; Has not been previously published as pathogenic or benign to our knowledge

Institute of Immunology and Genetics Kaiserslautern
Classification: Likely pathogenic for Dejerine-Sottas disease; Charcot-Marie-Tooth disease, type IA. Last evaluated: 2025-02-19. Review status: criteria provided, single submitter. Criteria: ACMG Guidelines, 2015. Collection method: clinical testing. Allele origin: germline.
Comment: ACMG Criteria: PM1, PM2_P, PM5, PP3, PP5 ; Variant was found in heterozygous state.

Labcorp Genetics (formerly Invitae), Labcorp
Classification: Likely pathogenic for Charcot-Marie-Tooth disease, type I. Last evaluated: 2023-12-18. Review status: criteria provided, single submitter. Criteria: Invitae Variant Classification Sherloc (09022015). Collection method: clinical testing. Allele origin: germline.
Comment: This sequence change replaces methionine, which is neutral and non-polar, with threonine, which is neutral and polar, at codon 69 of the PMP22 protein (p.Met69Thr). This variant is not present in population databases (gnomAD no frequency). This variant has not been reported in the literature in individuals affected with PMP22-related conditions. ClinVar contains an entry for this variant (Variation ID: 531685). Advanced modeling of protein sequence and biophysical properties (such as structural, functional, and spatial information, amino acid conservation, physicochemical variation, residue mobility, and thermodynamic stability) performed at Invitae indicates that this missense variant is expected to disrupt PMP22 protein function with a positive predictive value of 95%. This variant disrupts the p.Met69 amino acid residue in PMP22. Other variant(s) that disrupt this residue have been determined to be pathogenic (PMID: 8275092, 26102530). This suggests that this residue is clinically significant, and that variants that disrupt this residue are likely to be disease-causing. In summary, the currently available evidence indicates that the variant is pathogenic, but additional data are needed to prove that conclusively. Therefore, this variant has been classified as Likely Pathogenic.

Ambry Genetics
Classification: Uncertain significance for Inborn genetic diseases. Last evaluated: 2020-03-18. Review status: criteria provided, single submitter. Criteria: Ambry Variant Classification Scheme 2023. Collection method: clinical testing. Allele origin: germline.
Comment: The p.M69T variant (also known as c.206T>C), located in coding exon 3 of the PMP22 gene, results from a T to C substitution at nucleotide position 206. The methionine at codon 69 is replaced by threonine, an amino acid with similar properties. This amino acid position is highly conserved in available vertebrate species. In addition, this alteration is predicted to be deleterious by in silico analysis. Since supporting evidence is limited at this time, the clinical significance of this alteration remains unclear.

Literature cited by the submitters: PubMed 8275092 (cited by Labcorp Genetics (formerly Invitae), Labcorp); PubMed 26102530 (cited by Labcorp Genetics (formerly Invitae), Labcorp).